The following is an entry in ClinVar:

NM_001378454.1(ALMS1):c.315C>T (p.Ser105=)

Gene: ALMS1 (ALMS1 centrosome and basal body associated protein; plus strand). Cytogenetic location: 2p13.1.
Variant type: single nucleotide variant.
Coding change: c.315C>T on transcript NM_001378454.1 (MANE Select); coding-DNA position 315, C replaced by T.
Protein change: p.Ser105=; no amino-acid change (serine 105 retained).
Molecular consequence: synonymous variant.
Genome position (GRCh38, 1-based): chr2:73,386,183, C>T. VCF-style: chr2-73386183-C-T. GRCh37 (hg19) VCF-style: chr2-73613311-C-T.
Other names: c.318C>T, p.Ser106= (NM_015120.4).
Identifiers: ClinVar variation 701677 (VCV000701677.31), dbSNP rs754611450, ClinGen allele CA1712793.

ClinVar aggregate classification (germline): Likely benign. Review status: criteria provided, multiple submitters, no conflicts (2 of 4 stars). 5 submissions from 5 submitters: Likely benign (4). 1 of the submissions does not count toward it. Last evaluated 2025-12-14.

Conditions:
Cardiovascular phenotype. Identifiers: MedGen CN230736.
Alstrom syndrome (ALMS). Identifiers: Orphanet 64, MedGen C0268425, MONDO:0008763, OMIM 203800.

Allele frequency attached by ClinVar (database versions not stated): gnomAD 0.00002 and 0.00003; gnomAD exomes 0.00002 and 0.00006; TOPMed 0.00002; ExAC 0.00015.
gnomAD v4.1: 42 of 1,541,992 alleles (0.0027%); highest among the groups gnomAD compares: East Asian, 0.017%; no homozygotes.

Submissions (5):

Labcorp Genetics (formerly Invitae), Labcorp
Classification: Likely benign for Alstrom syndrome. Last evaluated: 2025-12-14. Review status: criteria provided, single submitter. Criteria: Invitae Variant Classification Sherloc (09022015). Collection method: clinical testing. Allele origin: germline.

Blueprint Genetics
Classification: Likely benign. Last evaluated: 2024-09-10. Review status: criteria provided, single submitter. Criteria: ACMG Guidelines, 2015. Collection method: clinical testing. Allele origin: germline.

CeGaT Center for Human Genetics Tuebingen
Classification: Likely benign. Last evaluated: 2024-07-01. Review status: criteria provided, single submitter. Criteria: CeGaT Center For Human Genetics Tuebingen Variant Classification Criteria Version 2. Collection method: clinical testing. Allele origin: germline. Affected: yes. Observed: 1 variant allele.
Comment: ALMS1: BP4, BP7

Ambry Genetics
Classification: Likely benign for Cardiovascular phenotype. Last evaluated: 2020-03-04. Review status: criteria provided, single submitter. Criteria: Ambry Variant Classification Scheme 2023. Collection method: clinical testing. Allele origin: germline.

Natera, Inc.
Classification: Likely benign for Alstrom syndrome. Last evaluated: 2020-09-16. Review status: no assertion criteria provided. Collection method: clinical testing. Allele origin: germline. Not counted in ClinVar's aggregate classification.